The following is an entry in ClinVar:

NM_001042492.3(NF1):c.206G>T (p.Arg69Ile)

Gene: NF1 (neurofibromin 1; plus strand). Cytogenetic location: 17q11.2.
Variant type: single nucleotide variant.
Coding change: c.206G>T on transcript NM_001042492.3 (MANE Select); coding-DNA position 206, G replaced by T.
Protein change: p.Arg69Ile; replaces arginine 69 with isoleucine.
Molecular consequence: missense variant.
Genome position (GRCh38, 1-based): chr17:31,159,011, G>T. VCF-style: chr17-31159011-G-T. GRCh37 (hg19) VCF-style: chr17-29486029-G-T.
Other names: c.206G>T, p.Arg69Ile (NM_000267.4, NM_001128147.3); short protein forms R69I.
Identifiers: ClinVar variation 1024021 (VCV001024021.7), dbSNP rs1216707810, ClinGen allele CA398989485.

ClinVar aggregate classification (germline): Uncertain significance. Review status: criteria provided, multiple submitters, no conflicts (2 of 4 stars). 2 submissions from 2 submitters: Uncertain significance (2). Last evaluated 2025-09-11.

Conditions:
Cardiovascular phenotype. Identifiers: MedGen CN230736.
Hereditary cancer-predisposing syndrome. Also called: Hereditary neoplastic syndrome; Neoplastic Syndromes, Hereditary; Tumor predisposition; Hereditary Cancer Syndrome. Identifiers: Orphanet 140162, MedGen C0027672, MeSH D009386, MONDO:0015356.
Neurofibromatosis, type 1 (NF1). Also called: Peripheral type neurofibromatosis; Neurofibromatosis, type I; VON RECKLINGHAUSEN DISEASE; NEUROFIBROMATOSIS, TYPE I, SOMATIC. Identifiers: Orphanet 636, MedGen C0027831, MONDO:0018975, OMIM 162200. Disease mechanism: loss of function.

Submissions (2):

Labcorp Genetics (formerly Invitae), Labcorp
Classification: Uncertain significance for Neurofibromatosis, type 1. Last evaluated: 2025-09-11. Review status: criteria provided, single submitter. Criteria: Invitae Variant Classification Sherloc (09022015). Collection method: clinical testing. Allele origin: germline.
Comment: This sequence change replaces arginine, which is basic and polar, with isoleucine, which is neutral and non-polar, at codon 69 of the NF1 protein (p.Arg69Ile). This variant is not present in population databases (gnomAD no frequency). This variant has not been reported in the literature in individuals affected with NF1-related conditions. ClinVar contains an entry for this variant (Variation ID: 1024021). An algorithm developed to predict the effect of missense changes on protein structure and function (PolyPhen-2) suggests that this variant is likely to be disruptive. In summary, the available evidence is currently insufficient to determine the role of this variant in disease. Therefore, it has been classified as a Variant of Uncertain Significance.

Ambry Genetics
Classification: Uncertain significance for Cardiovascular phenotype; Hereditary cancer-predisposing syndrome. Last evaluated: 2020-12-02. Review status: criteria provided, single submitter. Criteria: Ambry Variant Classification Scheme 2023. Collection method: clinical testing. Allele origin: germline.
Comment: The p.R69I variant (also known as c.206G>T), located in coding exon 3 of the NF1 gene, results from a G to T substitution at nucleotide position 206. The arginine at codon 69 is replaced by isoleucine, an amino acid with similar properties. This amino acid position is highly conserved in available vertebrate species. In addition, the in silico prediction for this alteration is inconclusive. Since supporting evidence is limited at this time, the clinical significance of this alteration remains unclear.